The following is an entry in ClinVar:

ClinVar aggregate classification (germline): Uncertain significance (1 of 4 stars; one submission).

Submission:

CeGaT Center for Human Genetics Tuebingen
Classification: Uncertain significance. Last evaluated: 2024-08-01. Review status: criteria provided, single submitter. Criteria: CeGaT Center For Human Genetics Tuebingen Variant Classification Criteria Version 2. Collection method: clinical testing. Allele origin: germline. Affected: yes. Observed: 1 variant allele.
Comment: SPEG: PM2

NM_005876.5(SPEG):c.8171T>G (p.Val2724Gly)

Genes: ASIC4-AS1 (ASIC4 antisense RNA 1; minus strand), SPEG (striated muscle enriched protein kinase; plus strand). Cytogenetic location: 2q35.
Variant type: single nucleotide variant.
Coding change: c.8171T>G on transcript NM_005876.5 (MANE Select); coding-DNA position 8171, T replaced by G.
Protein change: p.Val2724Gly; replaces valine 2724 with glycine.
Molecular consequence: missense variant.
Genome position (GRCh38, 1-based): chr2:219,489,075, T>G. VCF-style: chr2-219489075-T-G. GRCh37 (hg19) VCF-style: chr2-220353797-T-G.
Other names: short protein forms V2724G.
Identifiers: ClinVar variation 3341722 (VCV003341722.16).